The following is an entry in ClinVar:

ClinVar aggregate classification (germline): Uncertain significance (1 of 4 stars; one submission).

Conditions:
Long QT syndrome (LQTS). Identifiers: MedGen C0023976, MeSH D008133, MONDO:0002442. Disease mechanism: loss of function. Inheritance: Various modes of inheritance.

Submission:

Labcorp Genetics (formerly Invitae), Labcorp
Classification: Uncertain significance for Long QT syndrome. Last evaluated: 2025-11-09. Review status: criteria provided, single submitter. Criteria: Invitae Variant Classification Sherloc (09022015). Collection method: clinical testing. Allele origin: germline.
Comment: This sequence change replaces glutamine, which is neutral and polar, with arginine, which is basic and polar, at codon 640 of the KCNQ1 protein (p.Gln640Arg). This variant is not present in population databases (gnomAD no frequency). This variant has not been reported in the literature in individuals affected with KCNQ1-related conditions. An algorithm developed to predict the effect of missense changes on protein structure and function outputs the following: PolyPhen-2: "Benign". The arginine amino acid residue is found in multiple mammalian species, which suggests that this missense change does not adversely affect protein function. In summary, the available evidence is currently insufficient to determine the role of this variant in disease. Therefore, it has been classified as a Variant of Uncertain Significance.

NM_000218.3(KCNQ1):c.1919A>G (p.Gln640Arg)

Genes: KCNQ1 (potassium voltage-gated channel subfamily Q member 1; plus strand), KCNQ1-AS1 (KCNQ1 antisense RNA 1; minus strand). Cytogenetic location: 11p15.4.
Variant type: single nucleotide variant.
Coding change: c.1919A>G on transcript NM_000218.3 (MANE Select); coding-DNA position 1919, A replaced by G.
Protein change: p.Gln640Arg; replaces glutamine 640 with arginine.
Molecular consequence: missense variant.
Genome position (GRCh38, 1-based): chr11:2,847,891, A>G. VCF-style: chr11-2847891-A-G. GRCh37 (hg19) VCF-style: chr11-2869121-A-G.
Other names: c.1823A>G, p.Gln608Arg (NM_001406836.1); c.1649A>G, p.Gln550Arg (NM_001406837.1); c.1379A>G, p.Gln460Arg (NM_001406838.1); c.431A>G, p.Gln144Arg (NM_001406839.1); c.1538A>G, p.Gln513Arg (NM_181798.2); short protein forms Q144R, Q460R, Q513R, Q550R, Q608R, Q640R.
Identifiers: ClinVar variation 4803236 (VCV004803236.1).